The following is an entry in ClinVar:

NM_000475.5(NR0B1):c.1273A>G (p.Arg425Gly)

Gene: NR0B1 (nuclear receptor subfamily 0 group B member 1; minus strand). Cytogenetic location: Xp21.2.
Variant type: single nucleotide variant.
Coding change: c.1273A>G on transcript NM_000475.5 (MANE Select); coding-DNA position 1273, A replaced by G.
Protein change: p.Arg425Gly; replaces arginine 425 with glycine.
Molecular consequence: missense variant.
Genome position (GRCh38, 1-based): chrX:30,304,719, T>C on the plus strand (A>G on the coding strand, the complement: NR0B1 is on the minus strand). VCF-style: chrX-30304719-T-C. GRCh37 (hg19) VCF-style: chrX-30322836-T-C.
Other names: short protein forms R425G.
Identifiers: ClinVar variation 2629746 (VCV002629746.4), dbSNP rs2519049376, ClinGen allele CA412545186.
Genomic context (GRCh38, chrX:30,304,719, plus strand): 5'-CAATGACATTGGCATTGATGAATCTCAGCAGGAAAAGGGTACTATTAAGTTCGATGAATC[T>C]GTCATGGGGCCCTTGGTGCGTCATCCTGGTGTGTTCACTGAGTATTTGCTGAGTTCCCCA-3'
Protein context (NP_000466.2, residues 415-435): TRMTHQGPHD[Arg425Gly]FIELNSTLFL

ClinVar aggregate classification (germline): Pathogenic/Likely pathogenic. Review status: criteria provided, multiple submitters, no conflicts (2 of 4 stars). 4 submissions from 4 submitters: Pathogenic (3); Likely pathogenic (1). Last evaluated 2025-10-21.

Conditions:
Differences in sex development.
NR0B1-related disorder.
Congenital adrenal hypoplasia, X-linked (AHC). Also called: Isolated X-Linked Adrenal Hypoplasia Congenita; X-linked AHC; X-Linked Adrenal Hypoplasia Congenita; ADRENAL HYPOPLASIA, CONGENITAL, WITH HYPOGONADOTROPIC HYPOGONADISM. Identifiers: Orphanet 95702, MedGen C0342482, MONDO:0010264, OMIM 300200. Disease mechanism: loss of function.

Submissions (4):

NHS Central & South Genomic Laboratory Hub
Classification: Pathogenic for Differences in sex development. Last evaluated: 2025-10-21. Review status: criteria provided, single submitter. Criteria: ACMG Guidelines, 2015. Collection method: clinical testing. Allele origin: germline. Affected: yes.

Victorian Clinical Genetics Services, Murdoch Childrens Research Institute
Classification: Pathogenic for Congenital adrenal hypoplasia, X-linked. Last evaluated: 2024-10-09. Review status: criteria provided, single submitter. Criteria: ACMG Guidelines, 2015. Collection method: clinical testing. Allele origin: germline. Inheritance: X-linked recessive inheritance. Affected: yes.
Comment: Based on the classification scheme VCGS_Germline_v1.3.4, this variant is classified as Pathogenic. Following criteria are met: 0102 - Loss of function is a known mechanism of disease in this gene and is associated with congenital adrenal hypoplasia (MIM#300200). (I) 0109 - This gene is associated with X-linked recessive disease. (I) 0200 - Variant is predicted to result in a missense amino acid change from arginine to glycine. (I) 0253 - This variant is hemizygous. (I) 0301 - Variant is absent from gnomAD (both v2 and v3). (SP) 0501 - Missense variant consistently predicted to be damaging by multiple in silico tools or highly conserved with a major amino acid change. (SP) 0600 - Variant is located in the annotated hormone receptor domain (DECIPHER). (I) 0703 - Other missense variants comparable to the one identified in this case have moderate previous evidence for pathogenicity. p.(Arg425Thr) and p.(Arg425Ser) have been reported in individuals with congenital adrenal hypoplasia (PMIDs: 11748852, 37237297). (SP) 0803 - This variant has limited previous evidence of pathogenicity in unrelated individuals. It has been reported as pathogenic by a clinical laboratory (ClinVar). It has also been reported in two male individuals with congenital adrenal hypoplasia from a family (PMID: 9529340). In addition, this variant has been reported as hemizygous in an individual with adrenal insufficiency and hypogonadotropic hypogonadism (Paulino, S.G. et al. (2023)). (SP) 1002 - This variant has moderate functional evidence supporting abnormal protein function. Functional studies using transfected cells showed the variant resulted in reduced transcription repression activity and abnormal localisation of the NR0B1 (also known as DAX-1) protein (PMIDs: 11443184, 12700175). (SP) 1208 - Inheritance information for this variant is not currently available in this individual. (I) Legend: (SP) - Supporting pathogenic, (I) - Information, (SB) - Supporting benign

Cambridge Genomics Laboratory, East Genomic Laboratory Hub, NHS Genomic Medicine Service
Classification: Likely pathogenic for Differences in sex development. Last evaluated: 2024-05-22. Review status: criteria provided, single submitter. Criteria: ACGS Best Practice Guidelines for Variant Classification in Rare Disease 2020. Collection method: clinical testing. Allele origin: germline. Affected: yes.
Comment: PS3_Moderate,PS4_Supporting,PM1,PM2,PP3

PreventionGenetics, part of Exact Sciences
Classification: Pathogenic for NR0B1-related condition. Last evaluated: 2022-12-19. Review status: criteria provided, single submitter. Criteria: ACMG Guidelines, 2015. Collection method: clinical testing. Allele origin: germline.
Comment: The NR0B1 c.1273A>G variant is predicted to result in the amino acid substitution p.Arg425Gly. This variant has been reported in an individual with X-linked adrenal hypoplasia, and functional studied support its pathogenicity (Zhang et al. 1998. PubMed ID: 9529340; Achermann et al. 2001. PubMed ID: 11443184; Lehmann et al. 2003. PubMed ID: 12700175). In addition, different substitutions affecting the same amino acid (p.Arg425Thr and p.Arg425Ile) were reported to be pathogenic for adrenal hypoplasia (Lumaka. 2012. PubMed ID: 21739173; Achermann. 2001. PubMed ID: 11443184). This variant has not been reported in a large population database, indicating this variant is rare. This variant is interpreted as pathogenic.

Literature cited by the submitters: PubMed 9529340 (cited by Victorian Clinical Genetics Services, Murdoch Childrens Research Institute); PubMed 11443184 (cited by Victorian Clinical Genetics Services, Murdoch Childrens Research Institute); PubMed 11748852 (cited by Victorian Clinical Genetics Services, Murdoch Childrens Research Institute); PubMed 12700175 (cited by Victorian Clinical Genetics Services, Murdoch Childrens Research Institute); PubMed 21739173 (cited by Victorian Clinical Genetics Services, Murdoch Childrens Research Institute); PubMed 37237297 (cited by Victorian Clinical Genetics Services, Murdoch Childrens Research Institute).